The following is an entry in ClinVar:

NM_000628.5(IL10RB):c.680T>A (p.Leu227His)

Genes: IL10RB (interleukin 10 receptor subunit beta; plus strand), IFNAR2-IL10RB (IFNAR2-IL10RB readthrough; plus strand). Cytogenetic location: 21q22.11.
Variant type: single nucleotide variant.
Coding change: c.680T>A on transcript NM_000628.5 (MANE Select); coding-DNA position 680, T replaced by A.
Protein change: p.Leu227His; replaces leucine 227 with histidine.
Molecular consequence: missense variant. On other transcripts: non-coding transcript variant (1), intron variant (1).
Genome position (GRCh38, 1-based): chr21:33,288,137, T>A. VCF-style: chr21-33288137-T-A. GRCh37 (hg19) VCF-style: chr21-34660442-T-A.
Other names: c.1340T>A, p.Leu447His (NM_001414505.1); c.680T>A, p.Leu227His (NM_001405849.1, NM_001405850.1); c.646+4896T>A (NM_001406840.1); short protein forms L447H, L227H.
Identifiers: ClinVar variation 1981117 (VCV001981117.4), dbSNP rs1254557577, ClinGen allele CA410111403.

ClinVar aggregate classification (germline): Uncertain significance (1 of 4 stars; one submission).

Conditions:
Inflammatory bowel disease 25. Also called: Inflammatory bowel disease 25, early onset, autosomal recessive. Identifiers: Orphanet 238569, MedGen C2675508, MONDO:0012941, OMIM 612567.

Allele frequency attached by ClinVar (database versions not stated): gnomAD exomes below 0.00001.
gnomAD v4.1: 1 of 1,614,108 alleles (0.000062%); highest among the groups gnomAD compares: Non-Finnish European, 0.000085%; no homozygotes.

Submission:

Labcorp Genetics (formerly Invitae), Labcorp
Classification: Uncertain significance for Inflammatory bowel disease 25. Last evaluated: 2023-08-04. Review status: criteria provided, single submitter. Criteria: Invitae Variant Classification Sherloc (09022015). Collection method: clinical testing. Allele origin: germline.
Comment: In summary, the available evidence is currently insufficient to determine the role of this variant in disease. Therefore, it has been classified as a Variant of Uncertain Significance. Advanced modeling of protein sequence and biophysical properties (such as structural, functional, and spatial information, amino acid conservation, physicochemical variation, residue mobility, and thermodynamic stability) performed at Invitae indicates that this missense variant is expected to disrupt IL10RB protein function. ClinVar contains an entry for this variant (Variation ID: 1981117). This variant has not been reported in the literature in individuals affected with IL10RB-related conditions. This variant is present in population databases (no rsID available, gnomAD 0.0009%). This sequence change replaces leucine, which is neutral and non-polar, with histidine, which is basic and polar, at codon 227 of the IL10RB protein (p.Leu227His).